The following is an entry in ClinVar:

ClinVar aggregate classification (germline): Pathogenic (1 of 4 stars; one submission).

Submission:

Labcorp Genetics (formerly Invitae), Labcorp
Classification: Pathogenic. Last evaluated: 2022-02-18. Review status: criteria provided, single submitter. Criteria: Invitae Variant Classification Sherloc (09022015). Collection method: clinical testing. Allele origin: germline.
Comment: This variant is present in population databases (rs745516122, gnomAD 0.002%). This sequence change creates a premature translational stop signal (p.Val185Ilefs*18) in the SPART gene. It is expected to result in an absent or disrupted protein product. Loss-of-function variants in SPART are known to be pathogenic (PMID: 18413476, 20437587, 20504295). This variant has not been reported in the literature in individuals affected with SPART-related conditions. For these reasons, this variant has been classified as Pathogenic.

Literature cited by the submitters: PubMed 18413476; PubMed 20437587; PubMed 20504295.

NM_015087.5(SPART):c.553_554del (p.Val185fs)

Gene: SPART (spartin; minus strand). Cytogenetic location: 13q13.3.
Variant type: Deletion.
Coding change: c.553_554del on transcript NM_015087.5 (MANE Select); coding-DNA positions 553 to 554, 2 bases deleted (GT; older notation c.553_554delGT).
Protein change: p.Val185fs; shifts the reading frame from valine 185.
Molecular consequence: frameshift variant.
Genome position (GRCh38, 1-based): chr13:36,335,277-36,335,278, AC deleted on the plus strand (GT on the coding strand, the reverse complement: SPART is on the minus strand); deleting any 2 consecutive bases within chr13:36,335,277-36,335,279 gives the same sequence; the c. name uses the placement nearest the transcript's 3' end. VCF-style (leftmost placement, unchanged base first): chr13-36335276-TAC-T. GRCh37 (hg19) VCF-style: chr13-36909413-TAC-T.
Other names: c.553_554del, p.Val185fs (NM_001142294.2, NM_001142295.2, NM_001142296.2); short protein forms V185fs.
Identifiers: ClinVar variation 2184607 (VCV002184607.4), dbSNP rs745516122, ClinGen allele CA6949617.
Genomic context (GRCh38, chr13:36,335,276, plus strand): 5'-ATGATTCCTATAAAACTCCTCTCCAACTGATGAAAACTCCCCAGAATCTGTTCCATAGGA[TAC>T]AGTGTAGTGACCTTCAGCAGCTTGAGGAGTATAAGCAGGAGGAGCTTCTGCTGGACAACT-3'